The following is an entry in ClinVar:

NM_000070.3(CAPN3):c.575C>G (p.Thr192Ser)

Gene: CAPN3 (calpain 3; plus strand). Cytogenetic location: 15q15.1.
Variant type: single nucleotide variant.
Coding change: c.575C>G on transcript NM_000070.3 (MANE Select); coding-DNA position 575, C replaced by G.
Protein change: p.Thr192Ser; replaces threonine 192 with serine.
Molecular consequence: missense variant.
Genome position (GRCh38, 1-based): chr15:42,387,829, C>G. VCF-style: chr15-42387829-C-G. GRCh37 (hg19) VCF-style: chr15-42680027-C-G.
Other names: c.575C>G, p.Thr192Ser (NM_024344.2, NM_173087.2); c.314C>G, p.Thr105Ser (NM_212464.2); c.*268C>G (NM_212467.2); short protein forms T105S, T192S.
Identifiers: ClinVar variation 2577364 (VCV002577364.2), dbSNP rs1555420495, ClinGen allele CA391997908.
Genomic context (GRCh38, chr15:42,387,829, plus strand): 5'-AGTGGGTGGACGTGGTTATAGATGACTGCCTGCCAACGTACAACAATCAACTGGTTTTCA[C>G]CAAGTCCAACCACCGCAATGAGTTCTGGAGTGCTCTGCTGGAGAAGGCTTATGCTAAGTA-3'
Protein context (NP_000061.1, residues 182-202): LPTYNNQLVF[Thr192Ser]KSNHRNEFWS

ClinVar aggregate classification (germline): Uncertain significance. Review status: criteria provided, multiple submitters, no conflicts (2 of 4 stars). 2 submissions from 2 submitters: Uncertain significance (2). Last evaluated 2026-07-31.

Conditions:
Autosomal recessive limb-girdle muscular dystrophy type 2A (LGMDR1). Also called: LEYDEN-MOEBIUS MUSCULAR DYSTROPHY; MUSCULAR DYSTROPHY, PELVOFEMORAL; Limb-girdle muscular dystrophy, type 2A; Calpainopathy; Muscular dystrophy, limb-girdle, type 2A, Amish. Identifiers: Orphanet 267, MedGen C1869123, MONDO:0009675, OMIM 253600. Disease mechanism: loss of function.

Allele frequency attached by ClinVar (database versions not stated): gnomAD exomes below 0.00001.
gnomAD v4.1: 2 of 1,614,164 alleles (0.00012%); highest among the groups gnomAD compares: Non-Finnish European, 0.00017%; no homozygotes.

Submissions (2):

Myriad Genetics, Inc.
Classification: Uncertain significance for Autosomal recessive limb-girdle muscular dystrophy type 2A. Last evaluated: 2026-07-31. Review status: criteria provided, single submitter. Criteria: Myriad Autosomal Dominant, Autosomal Recessive and X-Linked Classification Criteria (2023). Collection method: clinical testing. Allele origin: unknown.
Comment: NM_000070.2(CAPN3):c.575C>G(T192S) is a missense variant classified as a variant of uncertain significance in the context of calpainopathy. T192S has been observed in cases with relevant disease (PMID: 30585608, 39678382). Relevant functional assessments of this variant are not available in the literature. T192S has not been observed in referenced population frequency databases. In summary, there is insufficient evidence to classify NM_000070.2(CAPN3):c.575C>G(T192S) as pathogenic or benign. Please note: this variant was assessed in the context of healthy population screening.

Women's Health and Genetics/Laboratory Corporation of America, LabCorp
Classification: Uncertain significance. Last evaluated: 2023-07-31. Review status: criteria provided, single submitter. Criteria: LabCorp Variant Classification Summary - May 2015. Collection method: clinical testing. Allele origin: germline.
Comment: Variant summary: CAPN3 c.575C>G (p.Thr192Ser) results in a conservative amino acid change located in the peptidase C2, calpain, catalytic domain (IPR001300) of the encoded protein sequence. Four of five in-silico tools predict a damaging effect of the variant on protein function. The variant was absent in 251452 control chromosomes (gnomAD). The available data on variant occurrences in the general population are insufficient to allow any conclusion about variant significance. c.575C>G has been reported in the literature as a compound heterozygous genotype together with a pathogenic variant in an individual affected with autosomal recessive Limb-Girdle Muscular Dystrophy and also autosomal dominant hereditary motor and sensory neuropathy type 1A due to a PMP22 duplication, but who exhibited clinical features of both disorders (Rudenskaya_2018). This report does not provide unequivocal conclusions about association of the variant with autosomal recessive Limb-Girdle Muscular Dystrophy. To our knowledge, no experimental evidence demonstrating an impact on protein function has been reported. The following publication has been ascertained in the context of this evaluation (PMID: 30585608). No submitters have cited clinical-significance assessments for this variant to ClinVar after 2014. Based on the evidence outlined above, the variant was classified as uncertain significance.

Literature cited by the submitters: PubMed 30585608 (cited by Myriad Genetics, Inc. and Women's Health and Genetics/Laboratory Corporation of America, LabCorp); PubMed 39678382 (cited by Myriad Genetics, Inc.).